The following is an entry in ClinVar:

NM_024664.4(PPCS):c.792G>C (p.Gln264His)

Genes: CCDC30 (coiled-coil domain containing 30; plus strand), PPCS (phosphopantothenoylcysteine synthetase; plus strand). Cytogenetic location: 1p34.2.
Variant type: single nucleotide variant.
Coding change: c.792G>C on transcript NM_024664.4 (MANE Select); coding-DNA position 792, G replaced by C.
Protein change: p.Gln264His; replaces glutamine 264 with histidine.
Molecular consequence: missense variant. On other transcripts: intron variant (2).
Genome position (GRCh38, 1-based): chr1:42,459,782, G>C. VCF-style: chr1-42459782-G-C. GRCh37 (hg19) VCF-style: chr1-42925453-G-C.
Other names: c.273G>C, p.Gln91His (NM_001077447.3, NM_001287506.1, NM_001287508.2 and 2 more transcripts); c.174G>C, p.Gln58His (NM_001287507.1); c.-880+2432G>C (NM_001355226.2); c.612+2432G>C (NM_001287511.2); short protein forms Q58H, Q91H, Q264H.
Identifiers: ClinVar variation 1028836 (VCV001028836.13), dbSNP rs61745591, ClinGen allele CA800074.

ClinVar aggregate classification (germline): Conflicting classifications of pathogenicity. Review status: criteria provided, conflicting classifications (1 of 4 stars). 5 submissions from 5 submitters: Uncertain significance (3); Benign (1). 1 of the submissions does not count toward it. Last evaluated 2026-02-03.

Conditions:
PPCS-related disorder. Also called: PPCS-related condition.
Cardiomyopathy, dilated, 2c. Identifiers: MedGen C4748647, MONDO:0032592, OMIM 618189.
Inborn genetic diseases. Identifiers: MedGen C0950123, MeSH D030342.
Cardiovascular phenotype. Identifiers: MedGen CN230736.

Allele frequency attached by ClinVar (database versions not stated): ESP Exome Variant Server 0.00142; TOPMed 0.00190; gnomAD 0.00195 and 0.00197; 1000 Genomes Project 30x 0.00219; gnomAD exomes 0.00041; ExAC 0.00052; 1000 Genomes Project 0.00180.
gnomAD v4.1: 533 of 1,614,192 alleles (0.033%); highest among the groups gnomAD compares: African/African-American, 0.65%; no homozygotes.

Submissions (5):

Labcorp Genetics (formerly Invitae), Labcorp
Classification: Benign. Last evaluated: 2026-02-03. Review status: criteria provided, single submitter. Criteria: Invitae Variant Classification Sherloc (09022015). Collection method: clinical testing. Allele origin: germline.

Molecular Diagnostic Laboratory for Inherited Cardiovascular Disease, Montreal Heart Institute
Classification: Uncertain significance for Cardiovascular phenotype. Last evaluated: 2025-04-09. Review status: criteria provided, single submitter. Criteria: ACMG Guidelines, 2015. Collection method: clinical testing. Allele origin: germline. Affected: yes.

Ambry Genetics
Classification: Uncertain significance for Inborn genetic diseases. Last evaluated: 2022-03-03. Review status: criteria provided, single submitter. Criteria: Ambry Variant Classification Scheme 2023. Collection method: clinical testing. Allele origin: germline.

Baylor Genetics
Classification: Uncertain significance for Cardiomyopathy, dilated, 2c. Last evaluated: 2019-08-21. Review status: criteria provided, single submitter. Criteria: ACMG Guidelines, 2015. Collection method: clinical testing. Allele origin: unknown. Affected: yes.
Comment: This variant was determined to be of uncertain significance according to ACMG Guidelines, 2015 [PMID:25741868].

PreventionGenetics, part of Exact Sciences
Classification: Likely benign for PPCS-related condition. Last evaluated: 2022-01-19. Review status: no assertion criteria provided. Collection method: clinical testing. Allele origin: germline. Not counted in ClinVar's aggregate classification.
Comment: This variant is classified as likely benign based on ACMG/AMP sequence variant interpretation guidelines (Richards et al. 2015 PMID: 25741868, with internal and published modifications).